The following is an entry in ClinVar:

NM_001036.6(RYR3):c.9297C>T (p.Asp3099=)

Gene: RYR3 (ryanodine receptor 3; plus strand). Cytogenetic location: 15q14.
Variant type: single nucleotide variant.
Coding change: c.9297C>T on transcript NM_001036.6 (MANE Select); coding-DNA position 9297, C replaced by T.
Protein change: p.Asp3099=; no amino-acid change (aspartic acid 3099 retained).
Molecular consequence: synonymous variant.
Genome position (GRCh38, 1-based): chr15:33,785,690, C>T. VCF-style: chr15-33785690-C-T. GRCh37 (hg19) VCF-style: chr15-34077891-C-T.
Other names: c.9297C>T, p.Asp3099= (NM_001243996.4).
Identifiers: ClinVar variation 707362 (VCV000707362.28), dbSNP rs190650629, ClinGen allele CA7460491.

ClinVar aggregate classification (germline): Likely benign. Review status: criteria provided, multiple submitters, no conflicts (2 of 4 stars). 5 submissions from 5 submitters: Likely benign (4). 1 of the submissions does not count toward it. Last evaluated 2024-11-01.

Conditions:
RYR3-related disorder. Also called: RYR3-related condition.
Epileptic encephalopathy. Identifiers: MedGen C0543888, HP:0200134.

Allele frequency attached by ClinVar (database versions not stated): ExAC 0.00008; gnomAD exomes 0.00008 and 0.00011; gnomAD 0.00009 and 0.00010; TOPMed 0.00011; 1000 Genomes Project 0.00020; 1000 Genomes Project 30x 0.00031.
gnomAD v4.1: 143 of 1,608,488 alleles (0.0089%); highest among the groups gnomAD compares: Middle Eastern, 0.35%; no homozygotes.

Submissions (5):

CeGaT Center for Human Genetics Tuebingen
Classification: Likely benign. Last evaluated: 2024-11-01. Review status: criteria provided, single submitter. Criteria: CeGaT Center For Human Genetics Tuebingen Variant Classification Criteria Version 2. Collection method: clinical testing. Allele origin: germline. Affected: yes. Observed: 1 variant allele.
Comment: RYR3: BP4, BP7

Blueprint Genetics
Classification: Likely benign. Last evaluated: 2024-09-25. Review status: criteria provided, single submitter. Criteria: ACMG Guidelines, 2015. Collection method: clinical testing. Allele origin: germline.

Labcorp Genetics (formerly Invitae), Labcorp
Classification: Likely benign for Epileptic encephalopathy. Last evaluated: 2024-02-26. Review status: criteria provided, single submitter. Criteria: Invitae Variant Classification Sherloc (09022015). Collection method: clinical testing. Allele origin: germline.

Breakthrough Genomics
Classification: Likely benign. Review status: criteria provided, single submitter. Criteria: ACMG Guidelines, 2015. Collection method: not provided. Allele origin: germline. Inheritance: Unknown mechanism. Affected: yes.

PreventionGenetics, part of Exact Sciences
Classification: Likely benign for RYR3-related condition. Last evaluated: 2019-07-12. Review status: no assertion criteria provided. Collection method: clinical testing. Allele origin: germline. Not counted in ClinVar's aggregate classification.
Comment: This variant is classified as likely benign based on ACMG/AMP sequence variant interpretation guidelines (Richards et al. 2015 PMID: 25741868, with internal and published modifications).